The following is an entry in ClinVar:

ClinVar aggregate classification (germline): Benign/Likely benign. Review status: criteria provided, multiple submitters, no conflicts (2 of 4 stars). 2 submissions from 2 submitters: Benign (1); Likely benign (1). Last evaluated 2025-08-13.

Conditions:
Melanoma-pancreatic cancer syndrome. Identifiers: Orphanet 404560, MedGen C1838547, MONDO:0011713, OMIM 606719. Disease mechanism: loss of function.
Familial melanoma. Also called: Hereditary melanoma; Hereditary cutaneous melanoma. Identifiers: Orphanet 618, MedGen C1512419, MONDO:0018961.

gnomAD v4.1: 1 of 1,609,360 alleles (0.000062%); highest among the groups gnomAD compares: Non-Finnish European, 0.000085%; no homozygotes.

Submissions (2):

Myriad Genetics, Inc.
Classification: Benign for Melanoma-pancreatic cancer syndrome. Last evaluated: 2025-08-13. Review status: criteria provided, single submitter. Criteria: Myriad Autosomal Dominant, Autosomal Recessive and X-Linked Classification Criteria (2023). Collection method: clinical testing. Allele origin: unknown.
Comment: This variant is considered benign. This variant is a silent/synonymous amino acid change and it is not expected to impact splicing.

Labcorp Genetics (formerly Invitae), Labcorp
Classification: Likely benign for Familial melanoma. Last evaluated: 2025-05-13. Review status: criteria provided, single submitter. Criteria: Invitae Variant Classification Sherloc (09022015). Collection method: clinical testing. Allele origin: germline.

NM_000077.5(CDKN2A):c.66G>C (p.Arg22=)

Gene: CDKN2A (cyclin dependent kinase inhibitor 2A; minus strand). Cytogenetic location: 9p21.3.
Variant type: single nucleotide variant.
Coding change: c.66G>C on transcript NM_000077.5; coding-DNA position 66, G replaced by C.
Protein change: p.Arg22=; no amino-acid change (arginine 22 retained).
Molecular consequence: synonymous variant (on NM_000077.6). On other transcripts: intron variant (2).
Genome position (GRCh38, 1-based): chr9:21,974,762, C>G on the plus strand (G>C on the coding strand, the complement: CDKN2A is on the minus strand). VCF-style: chr9-21974762-C-G. GRCh37 (hg19) VCF-style: chr9-21974761-C-G.
Other names: c.66G>C, p.Arg22= (NM_000077.6, NM_001195132.2, NM_058197.5); c.-3-3554G>C (NM_001363763.2); c.194-3554G>C (NM_058195.4).
Identifiers: ClinVar variation 4294107 (VCV004294107.2).